The following is an entry in ClinVar:

ClinVar aggregate classification (germline): Uncertain significance (1 of 4 stars; one submission).

Conditions:
Early-onset Parkinson disease 20. Also called: PARKINSON DISEASE 20, AUTOSOMAL RECESSIVE EARLY-ONSET. Identifiers: Orphanet 391411, MedGen C3809824, MONDO:0014233, OMIM 615530.
Developmental and epileptic encephalopathy, 53. Also called: Epileptic encephalopathy, early infantile, 53. Identifiers: MedGen C4479313, MONDO:0033362, OMIM 617389.

Allele frequency attached by ClinVar (database versions not stated): gnomAD exomes below 0.00001 and 0.00001; ExAC 0.00001; TOPMed 0.00001.
gnomAD v4.1: 4 of 1,613,958 alleles (0.00025%); highest among the groups gnomAD compares: South Asian, 0.0044%; no homozygotes.

Submission:

Labcorp Genetics (formerly Invitae), Labcorp
Classification: Uncertain significance for Developmental and epileptic encephalopathy, 53; Early-onset Parkinson disease 20. Last evaluated: 2021-09-01. Review status: criteria provided, single submitter. Criteria: Invitae Variant Classification Sherloc (09022015). Collection method: clinical testing. Allele origin: germline.
Comment: This sequence change replaces leucine with phenylalanine at codon 1299 of the SYNJ1 protein (p.Leu1299Phe). The leucine residue is moderately conserved and there is a small physicochemical difference between leucine and phenylalanine. This variant is present in population databases (rs758900160, ExAC 0.006%). This variant has not been reported in the literature in individuals affected with SYNJ1-related conditions. Algorithms developed to predict the effect of missense changes on protein structure and function are either unavailable or do not agree on the potential impact of this missense change (SIFT: "Deleterious"; PolyPhen-2: "Benign"; Align-GVGD: "Class C0"). In summary, the available evidence is currently insufficient to determine the role of this variant in disease. Therefore, it has been classified as a Variant of Uncertain Significance.

NM_203446.3(SYNJ1):c.3780G>T (p.Leu1260Phe)

Gene: SYNJ1 (synaptojanin 1; minus strand). Cytogenetic location: 21q22.11.
Variant type: single nucleotide variant.
Coding change: c.3780G>T on transcript NM_203446.3 (MANE Select); coding-DNA position 3780, G replaced by T.
Protein change: p.Leu1260Phe; replaces leucine 1260 with phenylalanine.
Molecular consequence: missense variant.
Genome position (GRCh38, 1-based): chr21:32,639,043, C>A on the plus strand (G>T on the coding strand, the complement: SYNJ1 is on the minus strand). VCF-style: chr21-32639043-C-A. GRCh37 (hg19) VCF-style: chr21-34011353-C-A.
Other names: c.3732G>T, p.Leu1244Phe (NM_001160302.2); c.3639G>T, p.Leu1213Phe (NM_001160306.2); c.3897G>T, p.Leu1299Phe (NM_003895.4); short protein forms L1213F, L1260F, L1244F, L1299F.
Identifiers: ClinVar variation 935179 (VCV000935179.7), dbSNP rs758900160, ClinGen allele CA10003250.